The following is an entry in ClinVar:

NM_032578.4(MYPN):c.1618AAC[3] (p.Asn541dup)

Gene: MYPN (myopalladin; plus strand). Cytogenetic location: 10q21.3.
Variant type: Microsatellite.
Coding change: c.1618AAC[3] on transcript NM_032578.4 (MANE Select); three copies in a row of the 3-base unit AAC starting at c.1618; the reference has two copies in a row; one copy, 3 bases duplicated.
Protein change: p.Asn541dup; duplicates asparagine 541.
Molecular consequence: inframe insertion. On other transcripts: non-coding transcript variant (2).
Genome position (GRCh38, 1-based): chr10:68,166,314-68,166,316, AAC duplicated; duplicating any 3 consecutive bases within chr10:68,166,310-68,166,316 gives the same sequence; the position shown is the placement nearest the transcript's 3' end. VCF-style (leftmost placement, unchanged base first): chr10-68166309-G-GCAA. GRCh37 (hg19) VCF-style: chr10-69926066-G-GCAA.
Other names: c.1618AAC[3], p.Asn541dup (NM_001256267.2); c.736AAC[3], p.Asn247dup (NM_001256268.2).
Identifiers: ClinVar variation 938511 (VCV000938511.9), dbSNP rs1428622009, ClinGen allele CA593794627.

ClinVar aggregate classification (germline): Uncertain significance (1 of 4 stars; one submission).

Conditions:
Dilated cardiomyopathy 1KK (CMD1KK). Identifiers: Orphanet 154, Orphanet 75249, MedGen C3714995, MONDO:0014100, OMIM 615248.

Submission:

Labcorp Genetics (formerly Invitae), Labcorp
Classification: Uncertain significance for Dilated cardiomyopathy 1KK. Last evaluated: 2024-10-18. Review status: criteria provided, single submitter. Criteria: Invitae Variant Classification Sherloc (09022015). Collection method: clinical testing. Allele origin: germline.
Comment: This variant, c.1621_1623dup, results in the insertion of 1 amino acid(s) of the MYPN protein (p.Asn541dup), but otherwise preserves the integrity of the reading frame. This variant is present in population databases (no rsID available, gnomAD 0.003%). This variant has not been reported in the literature in individuals affected with MYPN-related conditions. ClinVar contains an entry for this variant (Variation ID: 938511). Experimental studies and prediction algorithms are not available or were not evaluated, and the functional significance of this variant is currently unknown. In summary, the available evidence is currently insufficient to determine the role of this variant in disease. Therefore, it has been classified as a Variant of Uncertain Significance.